The following is an entry in ClinVar:

NM_003611.3(OFD1):c.427T>C (p.Phe143Leu)

Gene: OFD1 (OFD1 centriole and centriolar satellite protein; plus strand). Cytogenetic location: Xp22.2.
Variant type: single nucleotide variant.
Coding change: c.427T>C on transcript NM_003611.3 (MANE Select); coding-DNA position 427, T replaced by C.
Protein change: p.Phe143Leu; replaces phenylalanine 143 with leucine.
Molecular consequence: missense variant.
Genome position (GRCh38, 1-based): chrX:13,744,429, T>C. VCF-style: chrX-13744429-T-C. GRCh37 (hg19) VCF-style: chrX-13762548-T-C.
Other names: c.427T>C, p.Phe143Leu (NM_001330209.2); c.7T>C, p.Phe3Leu (NM_001330210.2); short protein forms F143L, F3L.
Identifiers: ClinVar variation 3756639 (VCV003756639.2).

ClinVar aggregate classification (germline): Uncertain significance (1 of 4 stars; one submission).

Conditions:
Joubert syndrome. Also called: CEREBELLOPARENCHYMAL DISORDER IV; JOUBERT-BOLTSHAUSER SYNDROME; Familial aplasia of the vermis. Identifiers: Orphanet 475, MedGen C5979921, MONDO:0018772.
Orofaciodigital syndrome I (OFD1). Also called: OFDS I; Papillon-Leage and Psaume Syndrome; Oral-Facial-Digital Syndrome Type I. Identifiers: Orphanet 2750, MedGen C1510460, MONDO:0010702, OMIM 311200.

Submission:

Labcorp Genetics (formerly Invitae), Labcorp
Classification: Uncertain significance for Orofaciodigital syndrome I; Joubert syndrome. Last evaluated: 2024-06-02. Review status: criteria provided, single submitter. Criteria: Invitae Variant Classification Sherloc (09022015). Collection method: clinical testing. Allele origin: germline.
Comment: This sequence change replaces phenylalanine, which is neutral and non-polar, with leucine, which is neutral and non-polar, at codon 143 of the OFD1 protein (p.Phe143Leu). This variant is not present in population databases (gnomAD no frequency). This variant has not been reported in the literature in individuals affected with OFD1-related conditions. Advanced modeling of protein sequence and biophysical properties (such as structural, functional, and spatial information, amino acid conservation, physicochemical variation, residue mobility, and thermodynamic stability) has been performed at Invitae for this missense variant, however the output from this modeling did not meet the statistical confidence thresholds required to predict the impact of this variant on OFD1 protein function. In summary, the available evidence is currently insufficient to determine the role of this variant in disease. Therefore, it has been classified as a Variant of Uncertain Significance.